The following is an entry in ClinVar:

ClinVar aggregate classification (germline): Likely benign (1 of 4 stars; one submission).

Allele frequency attached by ClinVar (database versions not stated): 1000 Genomes Project 0.00080; 1000 Genomes Project 30x 0.00125; gnomAD 0.00263; TOPMed 0.00286; ESP Exome Variant Server 0.00294; ExAC 0.00315.

Submission:

CeGaT Center for Human Genetics Tuebingen
Classification: Likely benign. Last evaluated: 2023-01-01. Review status: criteria provided, single submitter. Criteria: CeGaT Center For Human Genetics Tuebingen Variant Classification Criteria Version 2. Collection method: clinical testing. Allele origin: germline. Affected: yes. Observed: 1 variant allele.
Comment: ZNF862: BP4, BP7

NM_001099220.3(ZNF862):c.1986C>G (p.Leu662=)

Gene: ZNF862 (zinc finger protein 862; plus strand). Cytogenetic location: 7q36.1.
Variant type: single nucleotide variant.
Coding change: c.1986C>G on transcript NM_001099220.3 (MANE Select); coding-DNA position 1986, C replaced by G.
Protein change: p.Leu662=; no amino-acid change (leucine 662 retained).
Molecular consequence: synonymous variant.
Genome position (GRCh38, 1-based): chr7:149,861,146, C>G. VCF-style: chr7-149861146-C-G. GRCh37 (hg19) VCF-style: chr7-149558235-C-G.
Identifiers: ClinVar variation 2658156 (VCV002658156.24), dbSNP rs182652523, ClinGen allele CA4560969.